The following is an entry in ClinVar:

NM_006739.4(MCM5):c.1264C>G (p.Pro422Ala)

Gene: MCM5 (minichromosome maintenance complex component 5; plus strand). Cytogenetic location: 22q12.3.
Variant type: single nucleotide variant.
Coding change: c.1264C>G on transcript NM_006739.4 (MANE Select); coding-DNA position 1264, C replaced by G.
Protein change: p.Pro422Ala; replaces proline 422 with alanine.
Molecular consequence: missense variant.
Genome position (GRCh38, 1-based): chr22:35,415,889, C>G. VCF-style: chr22-35415889-C-G. GRCh37 (hg19) VCF-style: chr22-35811882-C-G.
Other names: short protein forms P422A.
Identifiers: ClinVar variation 3544227 (VCV003544227.3).

ClinVar aggregate classification (germline): Uncertain significance. Review status: criteria provided, multiple submitters, no conflicts (2 of 4 stars). 2 submissions from 2 submitters: Uncertain significance (2). Last evaluated 2024-08-27.

gnomAD v4.1: 55 of 1,614,004 alleles (0.0034%); highest among the groups gnomAD compares: Non-Finnish European, 0.0026%; no homozygotes.

Submissions (2):

Labcorp Genetics (formerly Invitae), Labcorp
Classification: Uncertain significance. Last evaluated: 2024-08-27. Review status: criteria provided, single submitter. Criteria: Invitae Variant Classification Sherloc (09022015). Collection method: clinical testing. Allele origin: germline.
Comment: This sequence change replaces proline, which is neutral and non-polar, with alanine, which is neutral and non-polar, at codon 422 of the MCM5 protein (p.Pro422Ala). This variant is present in population databases (rs377044929, gnomAD 0.008%). This variant has not been reported in the literature in individuals affected with MCM5-related conditions. Invitae Evidence Modeling of protein sequence and biophysical properties (such as structural, functional, and spatial information, amino acid conservation, physicochemical variation, residue mobility, and thermodynamic stability) indicates that this missense variant is not expected to disrupt MCM5 protein function with a negative predictive value of 80%. In summary, the available evidence is currently insufficient to determine the role of this variant in disease. Therefore, it has been classified as a Variant of Uncertain Significance.

Ambry Genetics
Classification: Uncertain significance. Last evaluated: 2024-08-01. Review status: criteria provided, single submitter. Criteria: Ambry Variant Classification Scheme 2023. Collection method: clinical testing. Allele origin: germline.